The following is an entry in ClinVar:

NM_000088.4(COL1A1):c.1027C>T (p.Pro343Ser)

Gene: COL1A1 (collagen type I alpha 1 chain; minus strand). Cytogenetic location: 17q21.33.
Variant type: single nucleotide variant.
Coding change: c.1027C>T on transcript NM_000088.4 (MANE Select); coding-DNA position 1027, C replaced by T.
Protein change: p.Pro343Ser; replaces proline 343 with serine.
Molecular consequence: missense variant.
Genome position (GRCh38, 1-based): chr17:50,195,952, G>A on the plus strand (C>T on the coding strand, the complement: COL1A1 is on the minus strand). VCF-style: chr17-50195952-G-A. GRCh37 (hg19) VCF-style: chr17-48273313-G-A.
Other names: short protein forms P343S.
Identifiers: ClinVar variation 4535754 (VCV004535754.1).

ClinVar aggregate classification (germline): Uncertain significance (1 of 4 stars; one submission).

gnomAD v4.1: 1 of 1,594,102 alleles (0.000063%); highest among the groups gnomAD compares: East Asian, 0.0023%; no homozygotes.

Submission:

Women's Health and Genetics/Laboratory Corporation of America, LabCorp
Classification: Uncertain significance. Last evaluated: 2025-09-29. Review status: criteria provided, single submitter. Criteria: LabCorp Variant Classification Summary - May 2015. Collection method: clinical testing. Allele origin: germline.
Comment: Variant summary: COL1A1 c.1027C>T (p.Pro343Ser) results in a non-conservative amino acid change in the encoded protein sequence. Algorithms developed to predict the effect of missense changes on protein structure and function all suggest that this variant is likely to be disruptive. The variant was absent in 216902 control chromosomes. The available data on variant occurrences in the general population are insufficient to allow any conclusion about variant significance. To our knowledge, no occurrence of c.1027C>T in individuals affected with COL1A1-related conditions and no experimental evidence demonstrating its impact on protein function have been reported. No submitters have cited clinical-significance assessments for this variant to ClinVar. Based on the evidence outlined above, the variant was classified as uncertain significance.